The following is an entry in ClinVar:

ClinVar aggregate classification (germline): Uncertain significance (1 of 4 stars; one submission).

Conditions:
Long QT syndrome (LQTS). Identifiers: MedGen C0023976, MeSH D008133, MONDO:0002442. Disease mechanism: loss of function. Inheritance: Various modes of inheritance.

Allele frequency attached by ClinVar (database versions not stated): gnomAD exomes below 0.00001.
gnomAD v4.1: 1 of 1,614,004 alleles (0.000062%); highest among the groups gnomAD compares: Non-Finnish European, 0.000085%; no homozygotes.

Submission:

Labcorp Genetics (formerly Invitae), Labcorp
Classification: Uncertain significance for Long QT syndrome. Last evaluated: 2020-01-28. Review status: criteria provided, single submitter. Criteria: Invitae Variant Classification Sherloc (09022015). Collection method: clinical testing. Allele origin: germline.
Comment: This sequence change replaces leucine with phenylalanine at codon 2854 of the ANK2 protein (p.Leu2854Phe). The leucine residue is weakly conserved and there is a small physicochemical difference between leucine and phenylalanine. This variant is not present in population databases (ExAC no frequency). Algorithms developed to predict the effect of missense changes on protein structure and function (SIFT, PolyPhen-2, Align-GVGD) all suggest that this variant is likely to be tolerated, but these predictions have not been confirmed by published functional studies and their clinical significance is uncertain. This variant has not been reported in the literature in individuals with ANK2-related conditions. In summary, the available evidence is currently insufficient to determine the role of this variant in disease. Therefore, it has been classified as a Variant of Uncertain Significance.

NM_001148.6(ANK2):c.8562G>T (p.Leu2854Phe)

Gene: ANK2 (ankyrin 2; plus strand). Cytogenetic location: 4q26.
Variant type: single nucleotide variant.
Coding change: c.8562G>T on transcript NM_001148.6 (MANE Select); coding-DNA position 8562, G replaced by T.
Protein change: p.Leu2854Phe; replaces leucine 2854 with phenylalanine.
Molecular consequence: missense variant. On other transcripts: intron variant (68).
Genome position (GRCh38, 1-based): chr4:113,357,180, G>T. VCF-style: chr4-113357180-G-T. GRCh37 (hg19) VCF-style: chr4-114278336-G-T.
Other names: c.8328G>T, p.Leu2776Phe (NM_001386142.1); c.4962G>T, p.Leu1654Phe (NM_001386166.1); c.8703G>T, p.Leu2901Phe (NM_001386174.1); c.8679G>T, p.Leu2893Phe (NM_001386175.1); c.4412-3643G>T (NM_001386186.2, NM_001386148.2); c.4214-3643G>T (NM_001354269.3); c.4292-3643G>T (NM_001386187.2); c.4253-3643G>T (NM_001386147.1); and 35 more; short protein forms L2854F, L1654F, L2776F, L2893F, L2901F.
Identifiers: ClinVar variation 863378 (VCV000863378.6), dbSNP rs2095842493, ClinGen allele CA357934326.